The following is an entry in ClinVar:

ClinVar aggregate classification (germline): Conflicting classifications of pathogenicity. Review status: criteria provided, conflicting classifications (1 of 4 stars). 4 submissions from 4 submitters: Uncertain significance (1); Benign (2); Likely benign (1). Last evaluated 2026-04-01.

Conditions:
MHC class II deficiency. Also called: Bare lymphocyte syndrome 2; BLS, TYPE II. Identifiers: Orphanet 572, MedGen C5447452, MONDO:0008855.

Allele frequency attached by ClinVar (database versions not stated): 1000 Genomes Project 0.00060; 1000 Genomes Project 30x 0.00062; ExAC 0.00040; TOPMed 0.00105; ESP Exome Variant Server 0.00115.
gnomAD v4.1: 449 of 1,613,722 alleles (0.028%); highest among the groups gnomAD compares: African/African-American, 0.29%; no homozygotes.

Submissions (4):

Women's Health and Genetics/Laboratory Corporation of America, LabCorp
Classification: Benign. Last evaluated: 2026-04-01. Review status: criteria provided, single submitter. Criteria: LabCorp Variant Classification Summary - May 2015. Collection method: clinical testing. Allele origin: germline.
Comment: Variant summary: CIITA c.2816+14C>T alters a nucleotide located at a position not widely known to affect splicing. Several computational tools predict a significant impact on normal splicing: Five predict the variant no significant impact on splicing. Three predict the variant creates a 5' donor site. However, these predictions have yet to be confirmed by functional studies. The variant allele was found at a frequency of 0.00034 in 249468 control chromosomes, predominantly at a frequency of 0.0024 within the African or African-American subpopulation in the gnomAD database. The observed variant frequency within African or African-American control individuals in the gnomAD database exceeds the estimated maximal expected allele frequency for disease-causing variants in CIITA. To our knowledge, no occurrence of c.2816+14C>T in individuals affected with CIITA-related conditions and no experimental evidence demonstrating its impact on protein function have been reported. ClinVar contains an entry for this variant (Variation ID: 884572). Based on the evidence outlined above, the variant was classified as benign.

Labcorp Genetics (formerly Invitae), Labcorp
Classification: Benign for MHC class II deficiency. Last evaluated: 2026-02-04. Review status: criteria provided, single submitter. Criteria: Invitae Variant Classification Sherloc (09022015). Collection method: clinical testing. Allele origin: germline.

Blueprint Genetics
Classification: Likely benign. Last evaluated: 2024-11-11. Review status: criteria provided, single submitter. Criteria: ACMG Guidelines, 2015. Collection method: clinical testing. Allele origin: germline.

Illumina Laboratory Services, Illumina
Classification: Uncertain significance for MHC class II deficiency 1. Last evaluated: 2018-01-13. Review status: criteria provided, single submitter. Criteria: ICSL Variant Classification Criteria 13 December 2019. Collection method: clinical testing. Allele origin: germline.

NM_000246.4(CIITA):c.2816+14C>T

Gene: CIITA (class II major histocompatibility complex transactivator; plus strand). Cytogenetic location: 16p13.13.
Variant type: single nucleotide variant.
Coding change: c.2816+14C>T on transcript NM_000246.4 (MANE Select); 14 bases into the intron after coding-DNA position 2816, C replaced by T.
Molecular consequence: intron variant.
Genome position (GRCh38, 1-based): chr16:10,909,201, C>T. VCF-style: chr16-10909201-C-T. GRCh37 (hg19) VCF-style: chr16-11003058-C-T.
Other names: c.2819+14C>T (NM_001286402.1, NM_001379332.1); c.2672+14C>T (NM_001379330.1); c.2816+14C>T (NM_001379333.1); c.2669+14C>T (NM_001379331.1); c.1064+14C>T (NM_001286403.2); c.2747+14C>T (NM_001379334.1).
Identifiers: ClinVar variation 884572 (VCV000884572.13), dbSNP rs191941806, ClinGen allele CA7900495.